The following is an entry in ClinVar:

ClinVar aggregate classification (germline): Uncertain significance. Review status: criteria provided, multiple submitters, no conflicts (2 of 4 stars). 3 submissions from 3 submitters: Uncertain significance (3). Last evaluated 2025-04-19.

Conditions:
X-linked cone-rod dystrophy 3 (CORDX3). Identifiers: Orphanet 1872, MedGen C1845407, MONDO:0010335, OMIM 300476.

Submissions (3):

3billion
Classification: Uncertain significance for X-linked cone-rod dystrophy 3. Last evaluated: 2025-04-19. Review status: criteria provided, single submitter. Criteria: ACMG Guidelines, 2015. Collection method: clinical testing. Allele origin: germline. Affected: yes.

Labcorp Genetics (formerly Invitae), Labcorp
Classification: Uncertain significance. Last evaluated: 2022-10-24. Review status: criteria provided, single submitter. Criteria: Invitae Variant Classification Sherloc (09022015). Collection method: clinical testing. Allele origin: germline.
Comment: In summary, the available evidence is currently insufficient to determine the role of this variant in disease. Therefore, it has been classified as a Variant of Uncertain Significance. Advanced modeling of protein sequence and biophysical properties (such as structural, functional, and spatial information, amino acid conservation, physicochemical variation, residue mobility, and thermodynamic stability) performed at Invitae indicates that this missense variant is expected to disrupt CACNA1F protein function. ClinVar contains an entry for this variant (Variation ID: 1466612). This variant is also known as G148R. This missense change has been observed in individuals with congenital stationary night blindness (PMID: 12187427, 30825406). This variant is not present in population databases (gnomAD no frequency). This sequence change replaces glycine, which is neutral and non-polar, with arginine, which is basic and polar, at codon 150 of the CACNA1F protein (p.Gly150Arg).

Revvity Omics, Revvity
Classification: Uncertain significance. Last evaluated: 2021-04-28. Review status: criteria provided, single submitter. Criteria: ACMG Guidelines, 2015. Collection method: clinical testing. Allele origin: germline.

Literature cited by the submitters: PubMed 12187427 (cited by 3billion and Labcorp Genetics (formerly Invitae), Labcorp); PubMed 30825406 (cited by Labcorp Genetics (formerly Invitae), Labcorp).

NM_001256789.3(CACNA1F):c.448G>C (p.Gly150Arg)

Gene: CACNA1F (calcium voltage-gated channel subunit alpha1 F; minus strand). Cytogenetic location: Xp11.23.
Variant type: single nucleotide variant.
Coding change: c.448G>C on transcript NM_001256789.3 (MANE Select); coding-DNA position 448, G replaced by C.
Protein change: p.Gly150Arg; replaces glycine 150 with arginine.
Molecular consequence: missense variant.
Genome position (GRCh38, 1-based): chrX:49,230,923, C>G on the plus strand (G>C on the coding strand, the complement: CACNA1F is on the minus strand). VCF-style: chrX-49230923-C-G. GRCh37 (hg19) VCF-style: chrX-49087385-C-G.
Other names: c.253G>C, p.Gly85Arg (NM_001256790.3); c.448G>C, p.Gly150Arg (NM_005183.4); short protein forms G150R, G85R.
Identifiers: ClinVar variation 1466612 (VCV001466612.10), dbSNP rs2147924995, ClinGen allele CA412926060.
Genomic context (GRCh38, chrX:49,230,923, plus strand): 5'-TGATGAAGTCGAGTAGGTTCCAGCCATTGCGGATGTAGGCGCTGGGGTGGAGCACCAGCC[C>G]GTAGGCCACGATCTTGAGCACCGTCTCCACAGTGAAAATCACCAGGAATACGTACTCCAC-3'
Protein context (NP_001243718.1, residues 140-160): VETVLKIVAY[Gly150Arg]LVLHPSAYIR